The following is an entry in ClinVar:

ClinVar aggregate classification (germline): Uncertain significance (1 of 4 stars; one submission).

Conditions:
Brody myopathy. Also called: BRODY DISEASE. Identifiers: Orphanet 53347, MedGen C1832918, MONDO:0010977, OMIM 601003.

Allele frequency attached by ClinVar (database versions not stated): TOPMed below 0.00001; gnomAD 0.00005; gnomAD exomes 0.00006 and 0.00014; ExAC 0.00016; 1000 Genomes Project 0.00040; 1000 Genomes Project 30x 0.00047.
gnomAD v4.1: 97 of 1,614,212 alleles (0.006%); highest among the groups gnomAD compares: South Asian, 0.1%; 1 homozygote.

Submission:

Labcorp Genetics (formerly Invitae), Labcorp
Classification: Uncertain significance for Brody myopathy. Last evaluated: 2021-09-01. Review status: criteria provided, single submitter. Criteria: Invitae Variant Classification Sherloc (09022015). Collection method: clinical testing. Allele origin: germline.
Comment: This sequence change replaces aspartic acid with asparagine at codon 660 of the ATP2A1 protein (p.Asp660Asn). The aspartic acid residue is highly conserved and there is a small physicochemical difference between aspartic acid and asparagine. This variant is present in population databases (rs541401107, ExAC 0.1%). This variant has not been reported in the literature in individuals affected with ATP2A1-related conditions. Algorithms developed to predict the effect of missense changes on protein structure and function are either unavailable or do not agree on the potential impact of this missense change (SIFT: "Deleterious"; PolyPhen-2: "Probably Damaging"; Align-GVGD: "Class C0"). In summary, the available evidence is currently insufficient to determine the role of this variant in disease. Therefore, it has been classified as a Variant of Uncertain Significance.

NM_004320.6(ATP2A1):c.1978G>A (p.Asp660Asn)

Gene: ATP2A1 (ATPase sarcoplasmic/endoplasmic reticulum Ca2+ transporting 1; plus strand). Cytogenetic location: 16p11.2.
Variant type: single nucleotide variant.
Coding change: c.1978G>A on transcript NM_004320.6 (MANE Select); coding-DNA position 1978, G replaced by A.
Protein change: p.Asp660Asn; replaces aspartic acid 660 with asparagine.
Molecular consequence: missense variant.
Genome position (GRCh38, 1-based): chr16:28,900,794, G>A. VCF-style: chr16-28900794-G-A. GRCh37 (hg19) VCF-style: chr16-28912115-G-A.
Other names: c.1603G>A, p.Asp535Asn (NM_001286075.2); c.1978G>A, p.Asp660Asn (NM_173201.5); short protein forms D535N, D660N.
Identifiers: ClinVar variation 1061430 (VCV001061430.6), dbSNP rs541401107, ClinGen allele CA7987138.